The following is an entry in ClinVar:

ClinVar aggregate classification (germline): Uncertain significance (1 of 4 stars; one submission).

Submission:

Women's Health and Genetics/Laboratory Corporation of America, LabCorp
Classification: Uncertain significance. Last evaluated: 2026-04-03. Review status: criteria provided, single submitter. Criteria: LabCorp Variant Classification Summary - May 2015. Collection method: clinical testing. Allele origin: germline.
Comment: Variant summary: NBEAL2 c.3503G>A (p.Arg1168Gln) results in a conservative amino acid change in the encoded protein sequence. Algorithms developed to predict the effect of missense changes on protein structure and function are either unavailable or do not agree on the potential impact of this missense change. The variant allele was found at a frequency of 1.4e-05 in 207796 control chromosomes. The available data on variant occurrences in the general population are insufficient to allow any conclusion about variant significance. c.3503G>A has been observed in an individual with personal and/or family history of bleeding tendency (Leinoe_2017). These report(s) do not provide unequivocal conclusions about association of the variant with Gray Platelet Syndrome. To our knowledge, no experimental evidence demonstrating an impact on protein function has been reported. The following publication has been ascertained in the context of this evaluation (PMID: 28748566). No submitters have cited clinical-significance assessments for this variant to ClinVar. Based on the evidence outlined above, the variant was classified as uncertain significance.

Literature cited by the submitters: PubMed 28748566.

NM_015175.3(NBEAL2):c.3503G>A (p.Arg1168Gln)

Gene: NBEAL2 (neurobeachin like 2; plus strand). Cytogenetic location: 3p21.31.
Variant type: single nucleotide variant.
Coding change: c.3503G>A on transcript NM_015175.3 (MANE Select); coding-DNA position 3503, G replaced by A.
Protein change: p.Arg1168Gln; replaces arginine 1168 with glutamine.
Molecular consequence: missense variant.
Genome position (GRCh38, 1-based): chr3:46,999,077, G>A. VCF-style: chr3-46999077-G-A. GRCh37 (hg19) VCF-style: chr3-47040567-G-A.
Other names: c.3401G>A, p.Arg1134Gln (NM_001365116.2); short protein forms R1134Q, R1168Q.
Identifiers: ClinVar variation 4848913 (VCV004848913.1).